The following is an entry in ClinVar:

ClinVar aggregate classification (germline): Uncertain significance (1 of 4 stars; one submission).

Conditions:
Brugada syndrome 4 (BRGDA4). Identifiers: Orphanet 130, MedGen C2678477, MONDO:0012743, OMIM 611876.

Submission:

Labcorp Genetics (formerly Invitae), Labcorp
Classification: Uncertain significance for Brugada syndrome 4. Last evaluated: 2025-10-19. Review status: criteria provided, single submitter. Criteria: Invitae Variant Classification Sherloc (09022015). Collection method: clinical testing. Allele origin: germline.
Comment: This sequence change replaces asparagine, which is neutral and polar, with aspartic acid, which is acidic and polar, at codon 281 of the CACNB2 protein (p.Asn281Asp). This variant is not present in population databases (gnomAD no frequency). This variant has not been reported in the literature in individuals affected with CACNB2-related conditions. Invitae Evidence Modeling of protein sequence and biophysical properties (such as structural, functional, and spatial information, amino acid conservation, physicochemical variation, residue mobility, and thermodynamic stability) indicates that this missense variant is expected to disrupt CACNB2 protein function with a positive predictive value of 80%. In summary, the available evidence is currently insufficient to determine the role of this variant in disease. Therefore, it has been classified as a Variant of Uncertain Significance.

NM_201596.3(CACNB2):c.1003A>G (p.Asn335Asp)

Gene: CACNB2 (calcium voltage-gated channel auxiliary subunit beta 2; plus strand). Cytogenetic location: 10p12.31.
Variant type: single nucleotide variant.
Coding change: c.1003A>G on transcript NM_201596.3 (MANE Select); coding-DNA position 1003, A replaced by G.
Protein change: p.Asn335Asp; replaces asparagine 335 with aspartic acid.
Molecular consequence: missense variant.
Genome position (GRCh38, 1-based): chr10:18,527,646, A>G. VCF-style: chr10-18527646-A-G. GRCh37 (hg19) VCF-style: chr10-18816575-A-G.
Other names: c.838A>G, p.Asn280Asp (NM_000724.4); c.805A>G, p.Asn269Asp (NM_001167945.2); c.724A>G, p.Asn242Asp (NM_001330060.2); c.745A>G, p.Asn249Asp (NM_001410882.1); c.859A>G, p.Asn287Asp (NM_201570.3); c.919A>G, p.Asn307Asp (NM_201571.4); c.847A>G, p.Asn283Asp (NM_201572.4); c.841A>G, p.Asn281Asp (NM_201590.3); and 2 more; short protein forms N281D, N249D, N269D, N283D, N287D, N297D, N280D, N307D.
Identifiers: ClinVar variation 4741520 (VCV004741520.1).